The following is an entry in ClinVar:

NM_001044.5(SLC6A3):c.574G>A (p.Ala192Thr)

Gene: SLC6A3 (solute carrier family 6 member 3). Cytogenetic location: 5p15.33.
Variant type: single nucleotide variant.
Coding change: c.574G>A on transcript NM_001044.5 (MANE Select); coding-DNA position 574, G replaced by A.
Protein change: p.Ala192Thr; replaces alanine 192 with threonine.
Molecular consequence: missense variant.
Genome position (GRCh38, 1-based): chr5:1,432,543, C>T on the plus strand (G>A on the coding strand, the complement: SLC6A3 is on the minus strand). VCF-style: chr5-1432543-C-T. GRCh37 (hg19) VCF-style: chr5-1432658-C-T.
Other names: short protein forms A192T.
Identifiers: ClinVar variation 1349082 (VCV001349082.3), dbSNP rs200132776, ClinGen allele CA3186342.
Genomic context (GRCh38, chr5:1,432,543, plus strand): 5'-GTGTGGTCCCAAAAGTGTCGTTGAGGCCCGAGCTGTCTCCACTGGAGTCACCAGGATGGG[C>T]ATCCGAGCAGTTGGGGCTGTTCCAGGAGTTGTTGCAGTGGATCCAGGGGAGCTCCGTGGT-3'
Protein context (NP_001035.1, residues 182-202): NSWNSPNCSD[Ala192Thr]HPGDSSGDSS

ClinVar aggregate classification (germline): Uncertain significance (1 of 4 stars; one submission).

Conditions:
Parkinsonism-dystonia, infantile. Identifiers: Orphanet 238455, MedGen C2751067, MONDO:0013150.

Allele frequency attached by ClinVar (database versions not stated): gnomAD 0.00001; TOPMed 0.00002; gnomAD exomes 0.00005 and 0.00009; ExAC 0.00013; 1000 Genomes Project 30x 0.00016; 1000 Genomes Project 0.00020.

Submission:

Labcorp Genetics (formerly Invitae), Labcorp
Classification: Uncertain significance for Parkinsonism-dystonia, infantile. Last evaluated: 2021-10-09. Review status: criteria provided, single submitter. Criteria: Invitae Variant Classification Sherloc (09022015). Collection method: clinical testing. Allele origin: germline.
Comment: This sequence change replaces alanine with threonine at codon 192 of the SLC6A3 protein (p.Ala192Thr). The alanine residue is moderately conserved and there is a small physicochemical difference between alanine and threonine. This variant is present in population databases (rs200132776, ExAC 0.2%). This variant has not been reported in the literature in individuals affected with SLC6A3-related conditions. Algorithms developed to predict the effect of missense changes on protein structure and function output the following: SIFT: "Tolerated"; PolyPhen-2: "Benign"; Align-GVGD: "Class C0". The threonine amino acid residue is found in multiple mammalian species, which suggests that this missense change does not adversely affect protein function. In summary, the available evidence is currently insufficient to determine the role of this variant in disease. Therefore, it has been classified as a Variant of Uncertain Significance.